The following is an entry in ClinVar:

ClinVar aggregate classification (germline): Uncertain significance. Review status: criteria provided, multiple submitters, no conflicts (2 of 4 stars). 3 submissions from 3 submitters: Uncertain significance (3). Last evaluated 2025-10-19.

Conditions:
Autosomal recessive limb-girdle muscular dystrophy type 2W (MDRCMTT). Also called: Muscular dystrophy, limb-girdle, type 2W; Muscular dystrophy, autosomal recessive, with cardiomyopathy and triangular tongue. Identifiers: MedGen C4225192, MONDO:0014788, OMIM 616827.

Allele frequency attached by ClinVar (database versions not stated): TOPMed 0.00005; gnomAD 0.00006 and 0.00010; ESP Exome Variant Server 0.00008.
gnomAD v4.1: 225 of 1,569,734 alleles (0.014%); highest among the groups gnomAD compares: Non-Finnish European, 0.018%; no homozygotes.

Submissions (3):

Labcorp Genetics (formerly Invitae), Labcorp
Classification: Uncertain significance for Autosomal recessive limb-girdle muscular dystrophy type 2W. Last evaluated: 2025-10-19. Review status: criteria provided, single submitter. Criteria: Invitae Variant Classification Sherloc (09022015). Collection method: clinical testing. Allele origin: germline.
Comment: This sequence change replaces arginine, which is basic and polar, with histidine, which is basic and polar, at codon 200 of the LIMS2 protein (p.Arg200His). This variant is present in population databases (rs144584729, gnomAD 0.01%). This variant has not been reported in the literature in individuals affected with LIMS2-related conditions. ClinVar contains an entry for this variant (Variation ID: 569601). Invitae Evidence Modeling of protein sequence and biophysical properties (such as structural, functional, and spatial information, amino acid conservation, physicochemical variation, residue mobility, and thermodynamic stability) has been performed for this missense variant. However, the output from this modeling did not meet the statistical confidence thresholds required to predict the impact of this variant on LIMS2 protein function. In summary, the available evidence is currently insufficient to determine the role of this variant in disease. Therefore, it has been classified as a Variant of Uncertain Significance.

Ambry Genetics
Classification: Uncertain significance. Last evaluated: 2022-10-26. Review status: criteria provided, single submitter. Criteria: Ambry Variant Classification Scheme 2023. Collection method: clinical testing. Allele origin: germline.

Revvity Omics, Revvity
Classification: Uncertain significance for Autosomal recessive limb-girdle muscular dystrophy type 2W. Last evaluated: 2020-12-03. Review status: criteria provided, single submitter. Criteria: ACMG Guidelines, 2015. Collection method: clinical testing. Allele origin: germline.

NM_001161403.3(LIMS2):c.533G>A (p.Arg178His)

Gene: LIMS2 (LIM zinc finger domain containing 2; minus strand). Cytogenetic location: 2q14.3.
Variant type: single nucleotide variant.
Coding change: c.533G>A on transcript NM_001161403.3 (MANE Select); coding-DNA position 533, G replaced by A.
Protein change: p.Arg178His; replaces arginine 178 with histidine.
Molecular consequence: missense variant.
Genome position (GRCh38, 1-based): chr2:127,642,176, C>T on the plus strand (G>A on the coding strand, the complement: LIMS2 is on the minus strand). VCF-style: chr2-127642176-C-T. GRCh37 (hg19) VCF-style: chr2-128399751-C-T.
Other names: c.599G>A (NM_001136037.3); c.599G>A, p.Arg200His (NM_001136037.4); c.518G>A, p.Arg173His (NM_001161404.2); c.77G>A, p.Arg26His (NM_001256542.2); c.605G>A, p.Arg202His (NM_017980.5); short protein forms R173H, R202H, R200H, R26H, R178H.
Identifiers: ClinVar variation 569601 (VCV000569601.13), dbSNP rs144584729, ClinGen allele CA1863016.
Genomic context (GRCh38, chr2:127,642,176, plus strand): 5'-CAGATGGGGACGCCCATCTTGTCATGGCAGGGCAGGCAGTAGAGCTCACCCTTCAGCTCG[C>T]GGGCCTCGGCTGTCAGCTCCTTCCTGGAAGACAGCGTGCAGCCCCCAGGTGCCACCCCTG-3'
Protein context (NP_001154875.1, residues 168-188): HCGKELTAEA[Arg178His]ELKGELYCLP